The following is an entry in ClinVar:

ClinVar aggregate classification (germline): Conflicting classifications of pathogenicity. Review status: criteria provided, conflicting classifications (1 of 4 stars). 6 submissions from 6 submitters: Uncertain significance (4); Likely benign (1). 1 of the submissions does not count toward it. Last evaluated 2026-02-04.

Conditions:
Inborn genetic diseases. Identifiers: MedGen C0950123, MeSH D030342.
CTC1-related disorder. Also called: CTC1-related condition.
Dyskeratosis congenita. Identifiers: Orphanet 1775, MedGen C0265965, MONDO:0015780.

Allele frequency attached by ClinVar (database versions not stated): gnomAD exomes 0.00003 and 0.00009; ExAC 0.00007; 1000 Genomes Project 0.00020; ESP Exome Variant Server 0.00025; gnomAD 0.00029 and 0.00031; 1000 Genomes Project 30x 0.00031; TOPMed 0.00034.

Submissions (6):

Labcorp Genetics (formerly Invitae), Labcorp
Classification: Likely benign for Dyskeratosis congenita. Last evaluated: 2026-02-04. Review status: criteria provided, single submitter. Criteria: Invitae Variant Classification Sherloc (09022015). Collection method: clinical testing. Allele origin: germline.

Mayo Clinic Laboratories, Mayo Clinic
Classification: Uncertain significance. Last evaluated: 2025-09-19. Review status: criteria provided, single submitter. Criteria: ACMG Guidelines, 2015. Collection method: clinical testing. Allele origin: germline. Observed: 1 variant allele.
Comment: BP4_moderate, PM2_supporting

Women's Health and Genetics/Laboratory Corporation of America, LabCorp
Classification: Uncertain significance. Last evaluated: 2025-05-20. Review status: criteria provided, single submitter. Criteria: LabCorp Variant Classification Summary - May 2015. Collection method: clinical testing. Allele origin: germline.
Comment: Variant summary: CTC1 c.2737G>A (p.Ala913Thr) results in a non-conservative amino acid change in the encoded protein sequence. Algorithms developed to predict the effect of missense changes on protein structure and function are either unavailable or do not agree on the potential impact of this missense change. The variant allele was found at a frequency of 8.8e-05 in 249570 control chromosomes, predominantly at a frequency of 0.00084 within the African or African-American subpopulation in the gnomAD database. This frequency is not significantly higher than estimated for a pathogenic variant in CTC1 causing Cerebroretinal Microangiopathy With Calcifications And Cysts 1 (8.8e-05 vs 0.0011), allowing no conclusion about variant significance. To our knowledge, no occurrence of c.2737G>A in individuals affected with Cerebroretinal Microangiopathy With Calcifications And Cysts 1 and no experimental evidence demonstrating its impact on protein function have been reported. ClinVar contains an entry for this variant (Variation ID: 854563). Based on the evidence outlined above, the variant was classified as uncertain significance.

GeneDx
Classification: Uncertain significance. Last evaluated: 2024-05-31. Review status: criteria provided, single submitter. Criteria: GeneDx Variant Classification Process June 2021. Collection method: clinical testing. Allele origin: germline. Affected: yes.
Comment: In silico analysis indicates that this missense variant does not alter protein structure/function; Has not been previously published as pathogenic or benign to our knowledge

Ambry Genetics
Classification: Uncertain significance for Inborn genetic diseases. Last evaluated: 2021-07-09. Review status: criteria provided, single submitter. Criteria: Ambry Variant Classification Scheme 2023. Collection method: clinical testing. Allele origin: germline.

PreventionGenetics, part of Exact Sciences
Classification: Uncertain significance for CTC1-related condition. Last evaluated: 2024-02-07. Review status: no assertion criteria provided. Collection method: clinical testing. Allele origin: germline. Not counted in ClinVar's aggregate classification.
Comment: The CTC1 c.2737G>A variant is predicted to result in the amino acid substitution p.Ala913Thr. To our knowledge, this variant has not been reported in the literature. This variant is reported in 0.074% of alleles in individuals of African descent in gnomAD. Although we suspect that this variant may be benign, at this time, the clinical significance of this variant is uncertain due to the absence of conclusive functional and genetic evidence.

NM_025099.6(CTC1):c.2737G>A (p.Ala913Thr)

Gene: CTC1 (CST telomere replication complex component 1; minus strand). Cytogenetic location: 17p13.1.
Variant type: single nucleotide variant.
Coding change: c.2737G>A on transcript NM_025099.6 (MANE Select); coding-DNA position 2737, G replaced by A.
Protein change: p.Ala913Thr; replaces alanine 913 with threonine.
Molecular consequence: missense variant. On other transcripts: non-coding transcript variant (1).
Genome position (GRCh38, 1-based): chr17:8,230,584, C>T on the plus strand (G>A on the coding strand, the complement: CTC1 is on the minus strand). VCF-style: chr17-8230584-C-T. GRCh37 (hg19) VCF-style: chr17-8133902-C-T.
Other names: p.Ala913Thr; short protein forms A913T.
Identifiers: ClinVar variation 854563 (VCV000854563.16), dbSNP rs201203345, ClinGen allele CA8371990.